The following is an entry in ClinVar:

ClinVar aggregate classification (germline): Likely pathogenic (1 of 4 stars; one submission).

Conditions:
DYNC1H1-related disorder. Also called: DYNC1H1-related condition; DYNC1H1-related disorders. Identifiers: MedGen CN381529.

Submission:

Women's Health and Genetics/Laboratory Corporation of America, LabCorp
Classification: Likely pathogenic for DYNC1H1-Related Disorders. Last evaluated: 2023-05-08. Review status: criteria provided, single submitter. Criteria: LabCorp Variant Classification Summary - May 2015. Collection method: clinical testing. Allele origin: germline.
Comment: Variant summary: DYNC1H1 c.3911T>C (p.Leu1304Pro) results in a non-conservative amino acid change located in the linker (neck) domain (Amabile_2020) of the encoded protein sequence. Five of five in-silico tools predict a damaging effect of the variant on protein function. The variant was absent in 251444 control chromosomes. To our knolwedge, c.3911T>C has not been reported in the literature in individuals affected with DYNC1H1-Related Disorders. However, at our laboratory, this variant has been observed as a de-novo occurrence in at-least one individual with features of DYNC1H1-Related Disorders. As a gene that is highly intolerant to missense change reflected by a high gene constraint score (Z score) in the gnomAD database and a low rate of benign missense variants, de novo missense variants in this gene have been reported as a mechanism of disease (example, Amabile_2020, Luise Becker_2020). To our knowledge, no experimental evidence demonstrating an impact on protein function has been reported. No clinical diagnostic laboratories have submitted clinical-significance assessments for this variant to ClinVar after 2014. Based on the evidence outlined above, the variant was classified as likely pathogenic.

NM_001376.5(DYNC1H1):c.3911T>C (p.Leu1304Pro)

Gene: DYNC1H1 (dynein cytoplasmic 1 heavy chain 1; plus strand). Cytogenetic location: 14q32.31.
Variant type: single nucleotide variant.
Coding change: c.3911T>C on transcript NM_001376.5 (MANE Select); coding-DNA position 3911, T replaced by C.
Protein change: p.Leu1304Pro; replaces leucine 1304 with proline.
Molecular consequence: missense variant.
Genome position (GRCh38, 1-based): chr14:102,000,095, T>C. VCF-style: chr14-102000095-T-C. GRCh37 (hg19) VCF-style: chr14-102466432-T-C.
Other names: short protein forms L1304P.
Identifiers: ClinVar variation 2506265 (VCV002506265.1), dbSNP rs2503726588, ClinGen allele CA391038593.